The following is an entry in ClinVar:

NM_002016.2(FLG):c.10585C>T (p.Pro3529Ser)

Genes: CCDST (cervical cancer associated DHX9 suppressive transcript; plus strand), FLG (filaggrin; minus strand). Cytogenetic location: 1q21.3.
Variant type: single nucleotide variant.
Coding change: c.10585C>T on transcript NM_002016.2 (MANE Select); coding-DNA position 10585, C replaced by T.
Protein change: p.Pro3529Ser; replaces proline 3529 with serine.
Molecular consequence: missense variant.
Genome position (GRCh38, 1-based): chr1:152,304,301, G>A on the plus strand (C>T on the coding strand, the complement: FLG is on the minus strand). VCF-style: chr1-152304301-G-A. GRCh37 (hg19) VCF-style: chr1-152276777-G-A.
Other names: short protein forms P3529S.
Identifiers: ClinVar variation 4819699 (VCV004819699.1).

ClinVar aggregate classification (germline): Benign (1 of 4 stars; one submission).

Conditions:
Ichthyosis vulgaris. Also called: ICHTHYOSIS SIMPLEX; Dominant ichthyosis vulgaris. Identifiers: MedGen C0079584, MONDO:0024304, OMIM 146700.

Submission:

Center for Human Genetics and Genomic Medicine, Uniklinik Rwth Aachen
Classification: Benign for Ichthyosis vulgaris. Last evaluated: 2026-03-27. Review status: criteria provided, single submitter. Criteria: ACMG Guidelines, 2015. Collection method: clinical testing. Allele origin: germline. Affected: no. Observed: 44 variant alleles.
Comment: Observed in 46 unaffected individuals, 2x homozygous (1229het and 292 homozygous entries in gnomAD)